The following is an entry in ClinVar:

ClinVar aggregate classification (germline): Uncertain significance. Review status: criteria provided, multiple submitters, no conflicts (2 of 4 stars). 2 submissions from 2 submitters: Uncertain significance (2). Last evaluated 2025-11-13.

Conditions:
Arrhythmogenic right ventricular dysplasia 8 (ARVD8). Also called: ARRHYTHMOGENIC RIGHT VENTRICULAR DYSPLASIA, FAMILIAL, 8; ARRHYTHMOGENIC RIGHT VENTRICULAR CARDIOMYOPATHY 8; Arrhythmogenic Right Ventricular Dysplasia/Cardiomyopathy 8. Identifiers: MedGen C1843896, MONDO:0011831, OMIM 607450.
Arrhythmogenic cardiomyopathy with wooly hair and keratoderma. Also called: PALMOPLANTAR KERATODERMA WITH LEFT VENTRICULAR CARDIOMYOPATHY AND WOOLLY HAIR; Carvajal syndrome; Dilated cardiomyopathy with woolly hair and keratoderma; Arrhythmogenic cardiomyopathy with woolly hair and keratoderma. Identifiers: Orphanet 65282, MedGen C1854063, MONDO:0011581, OMIM 605676.

Submissions (2):

Labcorp Genetics (formerly Invitae), Labcorp
Classification: Uncertain significance for Arrhythmogenic cardiomyopathy with wooly hair and keratoderma; Arrhythmogenic right ventricular dysplasia 8. Last evaluated: 2025-11-13. Review status: criteria provided, single submitter. Criteria: Invitae Variant Classification Sherloc (09022015). Collection method: clinical testing. Allele origin: germline.
Comment: This sequence change replaces glutamic acid, which is acidic and polar, with lysine, which is basic and polar, at codon 1450 of the DSP protein (p.Glu1450Lys). This variant is not present in population databases (gnomAD no frequency). This variant has not been reported in the literature in individuals affected with DSP-related conditions. ClinVar contains an entry for this variant (Variation ID: 3075480). An algorithm developed to predict the effect of missense changes on protein structure and function (PolyPhen-2) suggests that this variant is likely to be disruptive. In summary, the available evidence is currently insufficient to determine the role of this variant in disease. Therefore, it has been classified as a Variant of Uncertain Significance.

All of Us Research Program, National Institutes of Health
Classification: Uncertain significance for Arrhythmogenic cardiomyopathy with wooly hair and keratoderma. Last evaluated: 2024-02-05. Review status: criteria provided, single submitter. Criteria: ACMG Guidelines, 2015. Collection method: clinical testing. Allele origin: germline. Inheritance: Autosomal dominant inheritance. Observed: 1 variant allele, 1 heterozygote.
Comment: This missense variant replaces glutamic acid with lysine at codon 1450 of the DSP protein. Computational prediction suggests that this variant may not impact protein structure and function (internally defined REVEL score threshold <= 0.5, PMID: 27666373). To our knowledge, functional studies have not been reported for this variant. This variant has not been reported in individuals affected with DSP-related disorders in the literature. This variant has not been identified in the general population by the Genome Aggregation Database (gnomAD). The available evidence is insufficient to determine the role of this variant in disease conclusively. Therefore, this variant is classified as a Variant of Uncertain Significance.

This study involves interpretation of variants in research participants for the purpose of population health screening. Participant phenotype was not available at the time of variant classification. Additional details can be found in publication PMID: 35346344, PMCID: PMC8962531

NM_004415.4(DSP):c.4348G>A (p.Glu1450Lys)

Gene: DSP (desmoplakin; plus strand). Cytogenetic location: 6p24.3.
Variant type: single nucleotide variant.
Coding change: c.4348G>A on transcript NM_004415.4 (MANE Select); coding-DNA position 4348, G replaced by A.
Protein change: p.Glu1450Lys; replaces glutamic acid 1450 with lysine.
Molecular consequence: missense variant. On other transcripts: intron variant (2).
Genome position (GRCh38, 1-based): chr6:7,580,538, G>A. VCF-style: chr6-7580538-G-A. GRCh37 (hg19) VCF-style: chr6-7580771-G-A.
Other names: c.4050+298G>A (NM_001319034.2); c.3582+766G>A (NM_001008844.3); short protein forms E1450K.
Identifiers: ClinVar variation 3075480 (VCV003075480.2), dbSNP rs2533928319, ClinGen allele CA362686109.